The following is an entry in ClinVar:

ClinVar aggregate classification (germline): Benign/Likely benign. Review status: criteria provided, multiple submitters, no conflicts (2 of 4 stars). 5 submissions from 5 submitters: Benign (1); Likely benign (4). Last evaluated 2024-12-23.

Conditions:
Hereditary cancer-predisposing syndrome. Also called: Tumor predisposition; Hereditary Cancer Syndrome; Hereditary neoplastic syndrome; Neoplastic Syndromes, Hereditary. Identifiers: Orphanet 140162, MedGen C0027672, MeSH D009386, MONDO:0015356.
Hereditary nonpolyposis colorectal neoplasms. Identifiers: MedGen C0009405, MeSH D003123.
Lynch syndrome 5 (LYNCH5). Also called: Colorectal cancer, hereditary nonpolyposis, type 5; Hereditary non-polyposis colorectal cancer, type 5. Identifiers: Orphanet 144, MedGen C1833477, MONDO:0013710, OMIM 614350. Disease mechanism: loss of function.

Allele frequency attached by ClinVar (database versions not stated): gnomAD exomes below 0.00001.

Submissions (5):

Myriad Genetics, Inc.
Classification: Benign for Lynch syndrome 5. Last evaluated: 2024-12-23. Review status: criteria provided, single submitter. Criteria: Myriad Autosomal Dominant, Autosomal Recessive and X-Linked Classification Criteria (2023). Collection method: clinical testing. Allele origin: unknown.
Comment: This variant is considered benign. This variant is a silent/synonymous amino acid change and it is not expected to impact splicing.

Labcorp Genetics (formerly Invitae), Labcorp
Classification: Likely benign for Hereditary nonpolyposis colorectal neoplasms. Last evaluated: 2023-09-04. Review status: criteria provided, single submitter. Criteria: Invitae Variant Classification Sherloc (09022015). Collection method: clinical testing. Allele origin: germline.

Women's Health and Genetics/Laboratory Corporation of America, LabCorp
Classification: Likely benign. Last evaluated: 2019-08-29. Review status: criteria provided, single submitter. Criteria: LabCorp Variant Classification Summary - May 2015. Collection method: clinical testing. Allele origin: germline.

Ambry Genetics
Classification: Likely benign for Hereditary cancer-predisposing syndrome. Last evaluated: 2018-12-20. Review status: criteria provided, single submitter. Criteria: Ambry Variant Classification Scheme 2023. Collection method: clinical testing. Allele origin: germline.

GeneDx
Classification: Likely benign. Last evaluated: 2016-04-15. Review status: criteria provided, single submitter. Criteria: GeneDx Variant Classification (06012015). Collection method: clinical testing. Allele origin: germline. Affected: yes.
Comment: This variant is considered likely benign or benign based on one or more of the following criteria: it is a conservative change, it occurs at a poorly conserved position in the protein, it is predicted to be benign by multiple in silico algorithms, and/or has population frequency not consistent with disease.

NM_000179.3(MSH6):c.1191T>C (p.Tyr397=)

Gene: MSH6 (mutS homolog 6; plus strand). Cytogenetic location: 2p16.3.
Variant type: single nucleotide variant.
Coding change: c.1191T>C on transcript NM_000179.3 (MANE Select); coding-DNA position 1191, T replaced by C.
Protein change: p.Tyr397=; no amino-acid change (tyrosine 397 retained).
Molecular consequence: synonymous variant.
Genome position (GRCh38, 1-based): chr2:47,799,174, T>C. VCF-style: chr2-47799174-T-C. GRCh37 (hg19) VCF-style: chr2-48026313-T-C.
Other names: c.801T>C, p.Tyr267= (NM_001281492.2); c.285T>C, p.Tyr95= (NM_001281493.2, NM_001281494.2).
Identifiers: ClinVar variation 184081 (VCV000184081.17), dbSNP rs786201269, ClinGen allele CA008299.